The following is an entry in ClinVar:

NM_032119.4(ADGRV1):c.1451T>G (p.Leu484Arg)

Gene: ADGRV1 (adhesion G protein-coupled receptor V1; plus strand). Cytogenetic location: 5q14.3.
Variant type: single nucleotide variant.
Coding change: c.1451T>G on transcript NM_032119.4 (MANE Select); coding-DNA position 1451, T replaced by G.
Protein change: p.Leu484Arg; replaces leucine 484 with arginine.
Molecular consequence: missense variant. On other transcripts: non-coding transcript variant (1).
Genome position (GRCh38, 1-based): chr5:90,628,774, T>G. VCF-style: chr5-90628774-T-G. GRCh37 (hg19) VCF-style: chr5-89924591-T-G.
Other names: short protein forms L484R.
Identifiers: ClinVar variation 1468551 (VCV001468551.6), dbSNP rs2149381776, ClinGen allele CA360372635.

ClinVar aggregate classification (germline): Uncertain significance (1 of 4 stars; one submission).

gnomAD v4.1: 2 of 1,614,016 alleles (0.00012%); highest among the groups gnomAD compares: Non-Finnish European, 0.00017%; no homozygotes.

Submission:

Labcorp Genetics (formerly Invitae), Labcorp
Classification: Uncertain significance. Last evaluated: 2021-09-09. Review status: criteria provided, single submitter. Criteria: Invitae Variant Classification Sherloc (09022015). Collection method: clinical testing. Allele origin: germline.
Comment: This sequence change replaces leucine with arginine at codon 484 of the ADGRV1 protein (p.Leu484Arg). The leucine residue is moderately conserved and there is a moderate physicochemical difference between leucine and arginine. This variant is not present in population databases (ExAC no frequency). This variant has not been reported in the literature in individuals affected with ADGRV1-related conditions. Algorithms developed to predict the effect of missense changes on protein structure and function (SIFT, PolyPhen-2, Align-GVGD) all suggest that this variant is likely to be tolerated. In summary, the available evidence is currently insufficient to determine the role of this variant in disease. Therefore, it has been classified as a Variant of Uncertain Significance.